The following is an entry in ClinVar:

ClinVar aggregate classification (germline): Uncertain significance (1 of 4 stars; one submission).

Conditions:
MC3R-related disorder. Also called: MC3R-related condition.

gnomAD v4.1: 1 of 1,614,204 alleles (0.000062%); highest among the groups gnomAD compares: Non-Finnish European, 0.000085%; no homozygotes.

Submission:

PreventionGenetics, part of Exact Sciences
Classification: Uncertain significance for MC3R-related condition. Last evaluated: 2025-12-17. Review status: criteria provided, single submitter. Criteria: ACMG Guidelines, 2015. Collection method: clinical testing. Allele origin: germline.
Comment: The MC3R c.199G>T variant is predicted to result in the amino acid substitution p.Gly67Cys. To our knowledge, this variant has not been reported in the literature. This variant is reported in 0.0018% of alleles in individuals of European (Non-Finnish) descent in gnomAD. At this time, the clinical significance of this variant is uncertain due to the absence of conclusive functional and genetic evidence.

NM_019888.3(MC3R):c.199G>T (p.Gly67Cys)

Gene: MC3R (melanocortin 3 receptor; plus strand). Cytogenetic location: 20q13.2.
Variant type: single nucleotide variant.
Coding change: c.199G>T on transcript NM_019888.3 (MANE Select); coding-DNA position 199, G replaced by T.
Protein change: p.Gly67Cys; replaces glycine 67 with cysteine.
Molecular consequence: missense variant.
Genome position (GRCh38, 1-based): chr20:56,249,042, G>T. VCF-style: chr20-56249042-G-T. GRCh37 (hg19) VCF-style: chr20-54824098-G-T.
Other names: short protein forms G67C.
Identifiers: ClinVar variation 4988020 (VCV004988020.1).